The following is an entry in ClinVar:

NM_145038.5(DRC1):c.616C>T (p.Arg206Trp)

Gene: DRC1 (dynein regulatory complex subunit 1; plus strand). Cytogenetic location: 2p23.3.
Variant type: single nucleotide variant.
Coding change: c.616C>T on transcript NM_145038.5 (MANE Select); coding-DNA position 616, C replaced by T.
Protein change: p.Arg206Trp; replaces arginine 206 with tryptophan.
Molecular consequence: missense variant.
Genome position (GRCh38, 1-based): chr2:26,429,703, C>T. VCF-style: chr2-26429703-C-T. GRCh37 (hg19) VCF-style: chr2-26652571-C-T.
Other names: short protein forms R206W.
Identifiers: ClinVar variation 454990 (VCV000454990.6), dbSNP rs1160786100, ClinGen allele CA346102042.

ClinVar aggregate classification (germline): Uncertain significance (1 of 4 stars; one submission).

Conditions:
Primary ciliary dyskinesia. Also called: Ciliary dyskinesia. Identifiers: Orphanet 244, MedGen C0008780, MONDO:0016575, HP:0012265.

Allele frequency attached by ClinVar (database versions not stated): gnomAD exomes below 0.00001.
gnomAD v4.1: 5 of 1,614,022 alleles (0.00031%); highest among the groups gnomAD compares: South Asian, 0.0022%; no homozygotes.

Submission:

Labcorp Genetics (formerly Invitae), Labcorp
Classification: Uncertain significance for Primary ciliary dyskinesia. Last evaluated: 2025-02-03. Review status: criteria provided, single submitter. Criteria: Invitae Variant Classification Sherloc (09022015). Collection method: clinical testing. Allele origin: germline.
Comment: This sequence change replaces arginine, which is basic and polar, with tryptophan, which is neutral and slightly polar, at codon 206 of the DRC1 protein (p.Arg206Trp). This variant is present in population databases (no rsID available, gnomAD 0.0009%). This variant has not been reported in the literature in individuals affected with DRC1-related conditions. ClinVar contains an entry for this variant (Variation ID: 454990). An algorithm developed to predict the effect of missense changes on protein structure and function (PolyPhen-2) suggests that this variant is likely to be disruptive. In summary, the available evidence is currently insufficient to determine the role of this variant in disease. Therefore, it has been classified as a Variant of Uncertain Significance.